The following is an entry in ClinVar:

ClinVar aggregate classification (germline): Uncertain significance (1 of 4 stars; one submission).

Conditions:
Emery-Dreifuss muscular dystrophy (EDMD). Also called: Scapuloperoneal syndrome, X-linked (formerly); Humeroperoneal neuromuscular disease, (formerly). Identifiers: Orphanet 261, MedGen C0410189, MONDO:0016830.

Allele frequency attached by ClinVar (database versions not stated): gnomAD exomes below 0.00001.
gnomAD v4.1: 1 of 1,614,104 alleles (0.000062%); highest among the groups gnomAD compares: Non-Finnish European, 0.000085%; no homozygotes.

Submission:

Labcorp Genetics (formerly Invitae), Labcorp
Classification: Uncertain significance for Emery-Dreifuss muscular dystrophy. Last evaluated: 2022-04-08. Review status: criteria provided, single submitter. Criteria: Invitae Variant Classification Sherloc (09022015). Collection method: clinical testing. Allele origin: germline.
Comment: Algorithms developed to predict the effect of missense changes on protein structure and function output the following: SIFT: "Tolerated"; PolyPhen-2: "Benign"; Align-GVGD: "Class C0". The arginine amino acid residue is found in multiple mammalian species, which suggests that this missense change does not adversely affect protein function. In summary, the available evidence is currently insufficient to determine the role of this variant in disease. Therefore, it has been classified as a Variant of Uncertain Significance. This variant has not been reported in the literature in individuals affected with SUN1-related conditions. This sequence change replaces histidine, which is basic and polar, with arginine, which is basic and polar, at codon 327 of the SUN1 protein (p.His327Arg). This variant is not present in population databases (gnomAD no frequency).

NM_001130965.3(SUN1):c.980A>G (p.His327Arg)

Gene: SUN1 (Sad1 and UNC84 domain containing 1; plus strand). Cytogenetic location: 7p22.3.
Variant type: single nucleotide variant.
Coding change: c.980A>G on transcript NM_001130965.3 (MANE Select); coding-DNA position 980, A replaced by G.
Protein change: p.His327Arg; replaces histidine 327 with arginine.
Molecular consequence: missense variant. On other transcripts: non-coding transcript variant (3).
Genome position (GRCh38, 1-based): chr7:852,879, A>G. VCF-style: chr7-852879-A-G. GRCh37 (hg19) VCF-style: chr7-892516-A-G.
Other names: c.941A>G, p.His314Arg (NM_001367645.1, NM_001367667.1, NM_001367689.1); c.1109A>G, p.His370Arg (NM_001367646.1, NM_001367707.1); c.1022A>G, p.His341Arg (NM_001367647.1, NM_001367668.1); c.842A>G, p.His281Arg (NM_001367648.1); c.1025A>G, p.His342Arg (NM_001367649.1); c.1394A>G, p.His465Arg (NM_001367651.1); c.980A>G, p.His327Arg (NM_001367653.1, NM_001367672.1, NM_001367633.1 and 1 more transcripts); c.1223A>G, p.His408Arg (NM_001367655.1, NM_001367666.1); and 38 more; short protein forms H174R, H244R, H313R, H314R, H322R, H341R, H364R, H380R.
Identifiers: ClinVar variation 1937486 (VCV001937486.5), dbSNP rs2487432733, ClinGen allele CA366530521.